The following is an entry in ClinVar:

NM_004947.5(DOCK3):c.633G>C (p.Met211Ile)

Gene: DOCK3 (dedicator of cytokinesis 3; plus strand). Cytogenetic location: 3p21.2.
Variant type: single nucleotide variant.
Coding change: c.633G>C on transcript NM_004947.5 (MANE Select); coding-DNA position 633, G replaced by C.
Protein change: p.Met211Ile; replaces methionine 211 with isoleucine.
Molecular consequence: missense variant.
Genome position (GRCh38, 1-based): chr3:51,090,271, G>C. VCF-style: chr3-51090271-G-C. GRCh37 (hg19) VCF-style: chr3-51127702-G-C.
Other names: c.633G>C (NM_004947.4); short protein forms M211I.
Identifiers: ClinVar variation 3257652 (VCV003257652.18).
Genomic context (GRCh38, chr3:51,090,271, plus strand): 5'-TTTTTTTCTTCCTCATTAGGTAGATACAATGCGCCCACGTCATGGGGAAACATGTCGGAT[G>C]CCAGTGCCACATCACTTCTTCCTCAGCCTGAAGAGTTTCACTTACAATACTATTGGGGAA-3'
Protein context (NP_004938.1, residues 201-221): MRPRHGETCR[Met211Ile]PVPHHFFLSL

ClinVar aggregate classification (germline): Uncertain significance. Review status: criteria provided, multiple submitters, no conflicts (2 of 4 stars). 2 submissions from 2 submitters: Uncertain significance (2). Last evaluated 2025-08-30.

Conditions:
Inborn genetic diseases. Identifiers: MedGen C0950123, MeSH D030342.

gnomAD v4.1: 89 of 1,598,684 alleles (0.0056%); highest among the groups gnomAD compares: African/African-American, 0.063%; no homozygotes.

Submissions (2):

Ambry Genetics
Classification: Uncertain significance for Inborn genetic diseases. Last evaluated: 2025-08-30. Review status: criteria provided, single submitter. Criteria: Ambry Variant Classification Scheme 2023. Collection method: clinical testing. Allele origin: germline.

CeGaT Center for Human Genetics Tuebingen
Classification: Uncertain significance. Last evaluated: 2024-07-01. Review status: criteria provided, single submitter. Criteria: CeGaT Center For Human Genetics Tuebingen Variant Classification Criteria Version 2. Collection method: clinical testing. Allele origin: germline. Affected: yes. Observed: 1 variant allele.
Comment: DOCK3: PM2